The following is an entry in ClinVar:

NM_206933.4(USH2A):c.14963A>G (p.Asp4988Gly)

Gene: USH2A (usherin; minus strand). Cytogenetic location: 1q41.
Variant type: single nucleotide variant.
Coding change: c.14963A>G on transcript NM_206933.4 (MANE Select); coding-DNA position 14963, A replaced by G.
Protein change: p.Asp4988Gly; replaces aspartic acid 4988 with glycine.
Molecular consequence: missense variant.
Genome position (GRCh38, 1-based): chr1:215,640,563, T>C on the plus strand (A>G on the coding strand, the complement: USH2A is on the minus strand). VCF-style: chr1-215640563-T-C. GRCh37 (hg19) VCF-style: chr1-215813905-T-C.
Other names: c.14963A>G (NM_206933.2); short protein forms D4988G.
Identifiers: ClinVar variation 1026877 (VCV001026877.12), dbSNP rs759589351, ClinGen allele CA1392867.

ClinVar aggregate classification (germline): Uncertain significance. Review status: criteria provided, multiple submitters, no conflicts (2 of 4 stars). 3 submissions from 3 submitters: Uncertain significance (3). Last evaluated 2024-11-04.

Allele frequency attached by ClinVar (database versions not stated): TOPMed below 0.00001; ExAC 0.00001; gnomAD exomes below 0.00001; gnomAD 0.00001.
gnomAD v4.1: 2 of 1,613,448 alleles (0.00012%); highest among the groups gnomAD compares: African/African-American, 0.0027%; no homozygotes.

Submissions (3):

Labcorp Genetics (formerly Invitae), Labcorp
Classification: Uncertain significance. Last evaluated: 2024-11-04. Review status: criteria provided, single submitter. Criteria: Invitae Variant Classification Sherloc (09022015). Collection method: clinical testing. Allele origin: germline.
Comment: This sequence change replaces aspartic acid, which is acidic and polar, with glycine, which is neutral and non-polar, at codon 4988 of the USH2A protein (p.Asp4988Gly). This variant is present in population databases (rs759589351, gnomAD 0.007%). This variant has not been reported in the literature in individuals affected with USH2A-related conditions. ClinVar contains an entry for this variant (Variation ID: 1026877). Invitae Evidence Modeling of protein sequence and biophysical properties (such as structural, functional, and spatial information, amino acid conservation, physicochemical variation, residue mobility, and thermodynamic stability) indicates that this missense variant is not expected to disrupt USH2A protein function with a negative predictive value of 95%. In summary, the available evidence is currently insufficient to determine the role of this variant in disease. Therefore, it has been classified as a Variant of Uncertain Significance.

GeneDx
Classification: Uncertain significance. Last evaluated: 2023-07-20. Review status: criteria provided, single submitter. Criteria: GeneDx Variant Classification Process June 2021. Collection method: clinical testing. Allele origin: germline. Affected: yes.
Comment: Not observed at significant frequency in large population cohorts (gnomAD); In silico analysis supports that this missense variant has a deleterious effect on protein structure/function; Has not been previously published as pathogenic or benign to our knowledge

Blueprint Genetics
Classification: Uncertain significance. Last evaluated: 2022-06-01. Review status: criteria provided, single submitter. Criteria: ACMG Guidelines, 2015. Collection method: clinical testing. Allele origin: germline.